The following is an entry in ClinVar:

NM_000892.5(KLKB1):c.606C>A (p.His202Gln)

Gene: KLKB1 (kallikrein B1; plus strand). Cytogenetic location: 4q35.2.
Variant type: single nucleotide variant.
Coding change: c.606C>A on transcript NM_000892.5 (MANE Select); coding-DNA position 606, C replaced by A.
Protein change: p.His202Gln; replaces histidine 202 with glutamine.
Molecular consequence: missense variant. On other transcripts: 5 prime UTR variant (1).
Genome position (GRCh38, 1-based): chr4:186,250,250, C>A. VCF-style: chr4-186250250-C-A. GRCh37 (hg19) VCF-style: chr4-187171404-C-A.
Other names: c.606C>A (NM_000892.3, NM_000892.4); c.492C>A, p.His164Gln (NM_001318394.2); c.-32C>A (NM_001318396.2); short protein forms H202Q, H164Q.
Identifiers: ClinVar variation 377347 (VCV000377347.8), dbSNP rs4253373, ClinGen allele CA3163123.

ClinVar aggregate classification (germline): Conflicting classifications of pathogenicity. Review status: criteria provided, conflicting classifications (1 of 4 stars). 5 submissions from 5 submitters: Uncertain significance (1); Likely benign (3). 1 of the submissions does not count toward it. Last evaluated 2025-08-02.

Conditions:
KLKB1-related disorder. Also called: KLKB1-related condition.

Allele frequency attached by ClinVar (database versions not stated): gnomAD exomes 0.00022 and 0.00067; ExAC 0.00090; ESP Exome Variant Server 0.00223; gnomAD 0.00245 and 0.00256; TOPMed 0.00271; 1000 Genomes Project 30x 0.00375; 1000 Genomes Project 0.00379.
gnomAD v4.1: 698 of 1,614,080 alleles (0.043%); highest among the groups gnomAD compares: African/African-American, 0.87%; 4 homozygotes.

Submissions (5):

Ambry Genetics
Classification: Uncertain significance. Last evaluated: 2025-08-02. Review status: criteria provided, single submitter. Criteria: Ambry Variant Classification Scheme 2023. Collection method: clinical testing. Allele origin: germline.

Blueprint Genetics
Classification: Likely benign. Last evaluated: 2024-10-07. Review status: criteria provided, single submitter. Criteria: ACMG Guidelines, 2015. Collection method: clinical testing. Allele origin: germline.

Center for Pediatric Genomic Medicine, Children's Mercy Hospital and Clinics
Classification: Likely benign. Last evaluated: 2016-10-11. Review status: criteria provided, single submitter. Criteria: ACMG Guidelines, 2015. Collection method: clinical testing. Allele origin: germline.
ClinVar note: Converted during submission from Likely Benign to Likely benign.

Breakthrough Genomics
Classification: Likely benign. Review status: criteria provided, single submitter. Criteria: ACMG Guidelines, 2015. Collection method: not provided. Allele origin: germline. Inheritance: Autosomal recessive inheritance. Affected: yes.

PreventionGenetics, part of Exact Sciences
Classification: Benign for KLKB1-related condition. Last evaluated: 2019-07-15. Review status: no assertion criteria provided. Collection method: clinical testing. Allele origin: germline. Not counted in ClinVar's aggregate classification.
Comment: This variant is classified as benign based on ACMG/AMP sequence variant interpretation guidelines (Richards et al. 2015 PMID: 25741868, with internal and published modifications).